The following is an entry in ClinVar:

NM_025000.4(DCAF17):c.*1521A>G

Gene: DCAF17 (DDB1 and CUL4 associated factor 17; plus strand). Cytogenetic location: 2q31.1.
Variant type: single nucleotide variant.
Coding change: c.*1521A>G on transcript NM_025000.4 (MANE Select); 1521 bases downstream of the stop codon, A replaced by G.
Molecular consequence: 3 prime UTR variant. On other transcripts: non-coding transcript variant (1).
Genome position (GRCh38, 1-based): chr2:171,482,635, A>G. VCF-style: chr2-171482635-A-G. GRCh37 (hg19) VCF-style: chr2-172339145-A-G.
Other names: c.*1521A>G (NM_001164821.2).
Identifiers: ClinVar variation 893292 (VCV000893292.4), dbSNP rs77176791, ClinGen allele CA1965076.

ClinVar aggregate classification (germline): Benign (1 of 4 stars; one submission).

Conditions:
Woodhouse-Sakati syndrome. Also called: Hypogonadism, Alopecia, Diabetes Mellitus, Mental Retardation, and Extrapyramidal Syndrome; Hypogonadism, diabetes mellitus, alopecia, mental retardation and electrocardiographic abnormalities; EXTRAPYRAMIDAL DISORDER, PROGRESSIVE, WITH PRIMARY HYPOGONADISM, MENTAL RETARDATION, AND ALOPECIA. Identifiers: Orphanet 3464, MedGen C0342286, MONDO:0009419, OMIM 241080.

Allele frequency attached by ClinVar (database versions not stated): ExAC 0.00112; gnomAD exomes 0.00251 and 0.00459; gnomAD 0.00434 and 0.00436; TOPMed 0.00564; 1000 Genomes Project 30x 0.00718; 1000 Genomes Project 0.00739.
gnomAD v4.1: 1,411 of 454,090 alleles (0.31%); highest among the groups gnomAD compares: East Asian, 1.6%; 11 homozygotes.

Submission:

Illumina Laboratory Services, Illumina
Classification: Benign for Woodhouse-Sakati syndrome. Last evaluated: 2017-04-27. Review status: criteria provided, single submitter. Criteria: ICSL Variant Classification Criteria 13 December 2019. Collection method: clinical testing. Allele origin: germline.
Comment: This variant was observed as part of a predisposition screen in an ostensibly healthy population. A literature search was performed for the gene, cDNA change, and amino acid change (where applicable). No publications were found based on this search. Allele frequency data from public databases was too high to be consistent with this variant causing disease. Therefore, this variant is classified as benign.